The following is an entry in ClinVar:

ClinVar aggregate classification (germline): Likely pathogenic (1 of 4 stars; one submission).

Conditions:
Spastic paraplegia. Identifiers: MedGen C0037772, HP:0001258.

Submission:

Labcorp Genetics (formerly Invitae), Labcorp
Classification: Likely pathogenic for Spastic paraplegia. Last evaluated: 2022-01-12. Review status: criteria provided, single submitter. Criteria: Invitae Variant Classification Sherloc (09022015). Collection method: clinical testing. Allele origin: germline.
Comment: Algorithms developed to predict the effect of sequence changes on RNA splicing suggest that this variant may create or strengthen a splice site. In summary, the currently available evidence indicates that the variant is pathogenic, but additional data are needed to prove that conclusively. Therefore, this variant has been classified as Likely Pathogenic. This variant has not been reported in the literature in individuals affected with L1CAM-related conditions. This variant is not present in population databases (gnomAD no frequency). This variant results in the deletion of part of exon 5 (c.476_524-42delinsGAA) of the L1CAM gene. It is expected to disrupt RNA splicing. Variants that disrupt the donor or acceptor splice site typically lead to a loss of protein function (PMID: 16199547), and loss-of-function variants in L1CAM are known to be pathogenic (PMID: 19846429).

Literature cited by the submitters: PubMed 16199547; PubMed 19846429.

NM_001278116.2(L1CAM):c.476_524-42delinsGAA

Gene: L1CAM (L1 cell adhesion molecule; minus strand). Cytogenetic location: Xq28.
Variant type: Indel.
Coding change: c.476_524-42delinsGAA on transcript NM_001278116.2 (MANE Select); coding-DNA position 476 through 42 bases into the intron before coding-DNA position 524, the reference bases replaced by GAA.
Molecular consequence: splice donor variant.
Genome position (GRCh38, 1-based): chrX:153,871,002-153,871,104, 103 bases replaced. GRCh37 (hg19): chrX:153,136,457-153,136,559.
Other names: c.461_509-42delinsGAA (NM_001143963.2); c.476_524-42delinsGAA (NM_024003.3, NM_000425.5).
Identifiers: ClinVar variation 2081567 (VCV002081567.4), dbSNP rs2521025258, ClinGen allele CA2580101903.